The following is an entry in ClinVar:

ClinVar aggregate classification (germline): Uncertain significance (1 of 4 stars; one submission).

Submission:

Labcorp Genetics (formerly Invitae), Labcorp
Classification: Uncertain significance. Last evaluated: 2022-02-24. Review status: criteria provided, single submitter. Criteria: Invitae Variant Classification Sherloc (09022015). Collection method: clinical testing. Allele origin: germline.
Comment: This sequence change creates a premature translational stop signal (p.Arg130*) in the NEK2 gene. It is expected to result in an absent or disrupted protein product. However, the current clinical and genetic evidence is not sufficient to establish whether loss-of-function variants in NEK2 cause disease. In summary, the available evidence is currently insufficient to determine the role of this variant in disease. Therefore, it has been classified as a Variant of Uncertain Significance. Experimental studies and prediction algorithms are not available or were not evaluated, and the functional significance of this variant is currently unknown. This variant has not been reported in the literature in individuals affected with NEK2-related conditions. This variant is not present in population databases (gnomAD no frequency).

NM_002497.4(NEK2):c.388C>T (p.Arg130Ter)

Gene: NEK2 (NIMA related kinase 2; minus strand). Cytogenetic location: 1q32.3.
Variant type: single nucleotide variant.
Coding change: c.388C>T on transcript NM_002497.4 (MANE Select); coding-DNA position 388, C replaced by T.
Protein change: p.Arg130Ter; replaces arginine 130 with a stop codon.
Molecular consequence: nonsense.
Genome position (GRCh38, 1-based): chr1:211,673,650, G>A on the plus strand (C>T on the coding strand, the complement: NEK2 is on the minus strand). VCF-style: chr1-211673650-G-A. GRCh37 (hg19) VCF-style: chr1-211846992-G-A.
Other names: c.388C>T, p.Arg130Ter (NM_001204182.2, NM_001204183.2); short protein forms R130*.
Identifiers: ClinVar variation 1473006 (VCV001473006.6), dbSNP rs2102447363, ClinGen allele CA344784142.